The following is an entry in ClinVar:

NM_019892.6(INPP5E):c.981C>A (p.Ala327=)

Gene: INPP5E (inositol polyphosphate-5-phosphatase E; minus strand). Cytogenetic location: 9q34.3.
Variant type: single nucleotide variant.
Coding change: c.981C>A on transcript NM_019892.6 (MANE Select); coding-DNA position 981, C replaced by A.
Protein change: p.Ala327=; no amino-acid change (alanine 327 retained).
Molecular consequence: synonymous variant.
Genome position (GRCh38, 1-based): chr9:136,434,090, G>T on the plus strand (C>A on the coding strand, the complement: INPP5E is on the minus strand). VCF-style: chr9-136434090-G-T. GRCh37 (hg19) VCF-style: chr9-139328542-G-T.
Other names: c.981C>A, p.Ala327= (NM_001318502.2).
Identifiers: ClinVar variation 4999861 (VCV004999861.1).

ClinVar aggregate classification (germline): Likely benign (1 of 4 stars; one submission).

Conditions:
INPP5E-related disorder. Also called: INPP5E-related condition.

gnomAD v4.1: 4 of 1,610,766 alleles (0.00025%); highest among the groups gnomAD compares: African/African-American, 0.0013%; no homozygotes.

Submission:

PreventionGenetics, part of Exact Sciences
Classification: Likely benign for INPP5E-related condition. Last evaluated: 2024-11-23. Review status: criteria provided, single submitter. Criteria: ACMG Guidelines, 2015. Collection method: clinical testing. Allele origin: germline.
Comment: This variant is classified as likely benign based on ACMG/AMP sequence variant interpretation guidelines (Richards et al. 2015 PMID: 25741868, with internal and published modifications).